The following is an entry in ClinVar:

NM_006231.4(POLE):c.773C>T (p.Thr258Ile)

Gene: POLE (DNA polymerase epsilon, catalytic subunit; minus strand). Cytogenetic location: 12q24.33.
Variant type: single nucleotide variant.
Coding change: c.773C>T on transcript NM_006231.4 (MANE Select); coding-DNA position 773, C replaced by T.
Protein change: p.Thr258Ile; replaces threonine 258 with isoleucine.
Molecular consequence: missense variant.
Genome position (GRCh38, 1-based): chr12:132,677,391, G>A on the plus strand (C>T on the coding strand, the complement: POLE is on the minus strand). VCF-style: chr12-132677391-G-A. GRCh37 (hg19) VCF-style: chr12-133253977-G-A.
Other names: short protein forms T258I.
Identifiers: ClinVar variation 654157 (VCV000654157.12), dbSNP rs1196808684, ClinGen allele CA387364451.

ClinVar aggregate classification (germline): Uncertain significance. Review status: criteria provided, multiple submitters, no conflicts (2 of 4 stars). 2 submissions from 2 submitters: Uncertain significance (2). Last evaluated 2026-01-12.

Conditions:
Hereditary cancer-predisposing syndrome. Also called: Neoplastic Syndromes, Hereditary; Tumor predisposition; Hereditary Cancer Syndrome; Hereditary neoplastic syndrome. Identifiers: Orphanet 140162, MedGen C0027672, MeSH D009386, MONDO:0015356.

Allele frequency attached by ClinVar (database versions not stated): gnomAD exomes below 0.00001.
gnomAD v4.1: 1 of 1,613,996 alleles (0.000062%); highest among the groups gnomAD compares: Non-Finnish European, 0.000085%; no homozygotes.

Submissions (2):

Labcorp Genetics (formerly Invitae), Labcorp
Classification: Uncertain significance. Last evaluated: 2026-01-12. Review status: criteria provided, single submitter. Criteria: Invitae Variant Classification Sherloc (09022015). Collection method: clinical testing. Allele origin: germline.
Comment: This sequence change replaces threonine, which is neutral and polar, with isoleucine, which is neutral and non-polar, at codon 258 of the POLE protein (p.Thr258Ile). This variant is present in population databases (no rsID available, gnomAD 0.0009%). This variant has not been reported in the literature in individuals affected with POLE-related conditions. ClinVar contains an entry for this variant (Variation ID: 654157). Invitae Evidence Modeling of protein sequence and biophysical properties (such as structural, functional, and spatial information, amino acid conservation, physicochemical variation, residue mobility, and thermodynamic stability) indicates that this missense variant is not expected to disrupt POLE protein function with a negative predictive value of 80%. In summary, the available evidence is currently insufficient to determine the role of this variant in disease. Therefore, it has been classified as a Variant of Uncertain Significance.

Ambry Genetics
Classification: Uncertain significance for Hereditary cancer-predisposing syndrome. Last evaluated: 2025-10-25. Review status: criteria provided, single submitter. Criteria: Ambry Variant Classification Scheme 2023. Collection method: clinical testing. Allele origin: germline.
Comment: The p.T258I variant (also known as c.773C>T), located in coding exon 8 of the POLE gene, results from a C to T substitution at nucleotide position 773. The threonine at codon 258 is replaced by isoleucine, an amino acid with similar properties. This amino acid position is conserved. In addition, this alteration is predicted to be tolerated by in silico analysis. Since supporting evidence is limited at this time, the clinical significance of this alteration remains unclear.